The following is an entry in ClinVar:

ClinVar aggregate classification (germline): Uncertain significance. Review status: criteria provided, multiple submitters, no conflicts (2 of 4 stars). 2 submissions from 2 submitters: Uncertain significance (2). Last evaluated 2023-07-07.

Conditions:
Spondylodysplastic Ehlers-Danlos syndrome. Identifiers: Orphanet 536471, Orphanet 75496, MedGen C5680154, MONDO:0007526.

Submissions (2):

Labcorp Genetics (formerly Invitae), Labcorp
Classification: Uncertain significance for Spondylodysplastic Ehlers-Danlos syndrome. Last evaluated: 2023-07-07. Review status: criteria provided, single submitter. Criteria: Invitae Variant Classification Sherloc (09022015). Collection method: clinical testing. Allele origin: germline.
Comment: This sequence change replaces proline, which is neutral and non-polar, with serine, which is neutral and polar, at codon 261 of the B4GALT7 protein (p.Pro261Ser). This variant is not present in population databases (gnomAD no frequency). This variant has not been reported in the literature in individuals affected with B4GALT7-related conditions. ClinVar contains an entry for this variant (Variation ID: 1440455). Advanced modeling of protein sequence and biophysical properties (such as structural, functional, and spatial information, amino acid conservation, physicochemical variation, residue mobility, and thermodynamic stability) performed at Invitae indicates that this missense variant is not expected to disrupt B4GALT7 protein function. In summary, the available evidence is currently insufficient to determine the role of this variant in disease. Therefore, it has been classified as a Variant of Uncertain Significance.

GeneDx
Classification: Uncertain significance. Last evaluated: 2022-10-19. Review status: criteria provided, single submitter. Criteria: GeneDx Variant Classification Process June 2021. Collection method: clinical testing. Allele origin: germline. Affected: yes.
Comment: Not observed at significant frequency in large population cohorts (gnomAD); In silico analysis supports that this missense variant does not alter protein structure/function; Has not been previously published as pathogenic or benign to our knowledge

NM_007255.3(B4GALT7):c.781C>T (p.Pro261Ser)

Gene: B4GALT7 (beta-1,4-galactosyltransferase 7; plus strand). Cytogenetic location: 5q35.3.
Variant type: single nucleotide variant.
Coding change: c.781C>T on transcript NM_007255.3 (MANE Select); coding-DNA position 781, C replaced by T.
Protein change: p.Pro261Ser; replaces proline 261 with serine.
Molecular consequence: missense variant.
Genome position (GRCh38, 1-based): chr5:177,608,967, C>T. VCF-style: chr5-177608967-C-T. GRCh37 (hg19) VCF-style: chr5-177035968-C-T.
Other names: c.781C>T (NM_007255.2); short protein forms P261S.
Identifiers: ClinVar variation 1440455 (VCV001440455.8), dbSNP rs1768098034, ClinGen allele CA362376904.